The following is an entry in ClinVar:

NM_001035.3(RYR2):c.8402A>G (p.Tyr2801Cys)

Gene: RYR2 (ryanodine receptor 2; plus strand). Cytogenetic location: 1q43.
Variant type: single nucleotide variant.
Coding change: c.8402A>G on transcript NM_001035.3 (MANE Select); coding-DNA position 8402, A replaced by G.
Protein change: p.Tyr2801Cys; replaces tyrosine 2801 with cysteine.
Molecular consequence: missense variant.
Genome position (GRCh38, 1-based): chr1:237,660,913, A>G. VCF-style: chr1-237660913-A-G. GRCh37 (hg19) VCF-style: chr1-237824213-A-G.
Other names: short protein forms Y2801C.
Identifiers: ClinVar variation 1763255 (VCV001763255.2), dbSNP rs1379890937, ClinGen allele CA345401956.
Genomic context (GRCh38, chr1:237,660,913, plus strand): 5'-CTATGCTGGCTTGGGGCTGGAGAATTGAAAGAACTCGGGAGGGAGACAGCATGGCCCTTT[A>G]CAACCGGACTCGTCGTATTTCTCAGACAAGCCAGGTAAGAATTCATCACGGTGATGAATC-3'
Protein context (NP_001026.2, residues 2791-2811): RTREGDSMAL[Tyr2801Cys]NRTRRISQTS

ClinVar aggregate classification (germline): Uncertain significance (1 of 4 stars; one submission).

Conditions:
Cardiovascular phenotype. Identifiers: MedGen CN230736.

Allele frequency attached by ClinVar (database versions not stated): TOPMed below 0.00001.

Submission:

Ambry Genetics
Classification: Uncertain significance for Cardiovascular phenotype. Last evaluated: 2019-09-26. Review status: criteria provided, single submitter. Criteria: Ambry Variant Classification Scheme 2023. Collection method: clinical testing. Allele origin: germline.
Comment: The p.Y2801C variant (also known as c.8402A>G), located in coding exon 56 of the RYR2 gene, results from an A to G substitution at nucleotide position 8402. The tyrosine at codon 2801 is replaced by cysteine, an amino acid with highly dissimilar properties. This amino acid position is well conserved in available vertebrate species. In addition, this alteration is predicted to be deleterious by in silico analysis. Since supporting evidence is limited at this time, the clinical significance of this alteration remains unclear.